The following is an entry in ClinVar:

NM_174878.3(CLRN1):c.*1027T>G

Gene: CLRN1 (clarin 1; minus strand). Cytogenetic location: 3q25.1.
Variant type: single nucleotide variant.
Coding change: c.*1027T>G on transcript NM_174878.3 (MANE Select); 1027 bases downstream of the stop codon, T replaced by G.
Molecular consequence: 3 prime UTR variant. On other transcripts: non-coding transcript variant (1), intron variant (1).
Genome position (GRCh38, 1-based): chr3:150,926,909, A>C on the plus strand (T>G on the coding strand, the complement: CLRN1 is on the minus strand). VCF-style: chr3-150926909-A-C. GRCh37 (hg19) VCF-style: chr3-150644696-A-C.
Other names: c.*1027T>G (NM_001195794.1); c.*1340T>G (NM_001256819.2); c.343-37T>G (NM_052995.2).
Identifiers: ClinVar variation 901549 (VCV000901549.6), dbSNP rs147434424, ClinGen allele CA2665892.

ClinVar aggregate classification (germline): Likely benign. Review status: criteria provided, multiple submitters, no conflicts (2 of 4 stars). 2 submissions from 2 submitters: Likely benign (2). Last evaluated 2019-07-12.

Conditions:
Usher syndrome type 3. Also called: Usher Syndrome, Type III. Identifiers: Orphanet 231183, MedGen C1568248, MONDO:0016485.

Allele frequency attached by ClinVar (database versions not stated): gnomAD exomes 0.00046 and 0.00128; ExAC 0.00147; gnomAD 0.00459 and 0.00493; TOPMed 0.00529; 1000 Genomes Project 0.00559; 1000 Genomes Project 30x 0.00578; ESP Exome Variant Server 0.00607.
gnomAD v4.1: 1,394 of 1,614,166 alleles (0.086%); highest among the groups gnomAD compares: African/African-American, 1.7%; 11 homozygotes.

Submissions (2):

GeneDx
Classification: Likely benign. Last evaluated: 2019-07-12. Review status: criteria provided, single submitter. Criteria: GeneDx Variant Classification Process June 2021. Collection method: clinical testing. Allele origin: germline. Affected: yes.

Illumina Laboratory Services, Illumina
Classification: Likely benign for Usher syndrome type 3A. Last evaluated: 2018-01-13. Review status: criteria provided, single submitter. Criteria: ICSL Variant Classification Criteria 13 December 2019. Collection method: clinical testing. Allele origin: germline.
Comment: This variant was observed in the ICSL laboratory as part of a predisposition screen in an ostensibly healthy population. It had not been previously curated by ICSL or reported in the Human Gene Mutation Database (HGMD: prior to June 1st, 2018), and was therefore a candidate for classification through an automated scoring system. Utilizing variant allele frequency, disease prevalence and penetrance estimates, and inheritance mode, an automated score was calculated to assess if this variant is too frequent to cause the disease. Based on the score and internal cut-off values, a variant classified as likely benign is not then subjected to further curation. The score for this variant resulted in a classification of likely benign for this disease.